The following is an entry in ClinVar:

ClinVar aggregate classification (germline): Uncertain significance (1 of 4 stars; one submission).

Conditions:
Charcot-Marie-Tooth disease, type I (CMT1). Also called: Charcot-Marie-Tooth, Type 1; Charcot-Marie-Tooth disease type 1. Identifiers: Orphanet 65753, MedGen C0751036, MONDO:0019011.

Submission:

Labcorp Genetics (formerly Invitae), Labcorp
Classification: Uncertain significance for Charcot-Marie-Tooth disease, type I. Last evaluated: 2018-02-07. Review status: criteria provided, single submitter. Criteria: Invitae Variant Classification Sherloc (09022015). Collection method: clinical testing. Allele origin: germline.
Comment: In summary, the available evidence is currently insufficient to determine the role of this variant in disease. Therefore, it has been classified as a Variant of Uncertain Significance. Algorithms developed to predict the effect of missense changes on protein structure and function (SIFT, PolyPhen-2, Align-GVGD) all suggest that this variant is likely to be disruptive, but these predictions have not been confirmed by published functional studies and their clinical significance is uncertain. This variant has not been reported in the literature in individuals with PMP22-related disease. This variant is not present in population databases (ExAC no frequency). This sequence change replaces leucine with arginine at codon 11 of the PMP22 protein (p.Leu11Arg). The leucine residue is highly conserved and there is a moderate physicochemical difference between leucine and arginine.

NM_000304.4(PMP22):c.32T>G (p.Leu11Arg)

Gene: PMP22 (peripheral myelin protein 22; minus strand). Cytogenetic location: 17p12.
Variant type: single nucleotide variant.
Coding change: c.32T>G on transcript NM_000304.4 (MANE Select); coding-DNA position 32, T replaced by G.
Protein change: p.Leu11Arg; replaces leucine 11 with arginine.
Molecular consequence: missense variant.
Genome position (GRCh38, 1-based): chr17:15,260,696, A>C on the plus strand (T>G on the coding strand, the complement: PMP22 is on the minus strand). VCF-style: chr17-15260696-A-C. GRCh37 (hg19) VCF-style: chr17-15164013-A-C.
Other names: c.32T>G, p.Leu11Arg (NM_001281455.2, NM_001281456.2, NM_001330143.2 and 2 more transcripts); short protein forms L11R.
Identifiers: ClinVar variation 566215 (VCV000566215.5), dbSNP rs1567719334, ClinGen allele CA398271736.